The following is an entry in ClinVar:

NM_002292.4(LAMB2):c.2152C>T (p.Leu718=)

Gene: LAMB2 (laminin subunit beta 2; minus strand). Cytogenetic location: 3p21.31.
Variant type: single nucleotide variant.
Coding change: c.2152C>T on transcript NM_002292.4 (MANE Select); coding-DNA position 2152, C replaced by T.
Protein change: p.Leu718=; no amino-acid change (leucine 718 retained).
Molecular consequence: synonymous variant.
Genome position (GRCh38, 1-based): chr3:49,126,159, G>A on the plus strand (C>T on the coding strand, the complement: LAMB2 is on the minus strand). VCF-style: chr3-49126159-G-A. GRCh37 (hg19) VCF-style: chr3-49163592-G-A.
Identifiers: ClinVar variation 258602 (VCV000258602.10), dbSNP rs756535650, ClinGen allele CA2394372.

ClinVar aggregate classification (germline): Conflicting classifications of pathogenicity. Review status: criteria provided, conflicting classifications (1 of 4 stars). 4 submissions from 4 submitters: Uncertain significance (1); Likely benign (3). Last evaluated 2025-06-12.

Conditions:
Pierson syndrome. Also called: MICROCORIA-CONGENITAL NEPHROTIC SYNDROME. Identifiers: Orphanet 2670, MedGen C1836876, MONDO:0012184, OMIM 609049.
LAMB2-related infantile-onset nephrotic syndrome. Also called: Nephrotic Syndrome, type 5; NEPHROTIC SYNDROME, TYPE 5, WITHOUT OCULAR ABNORMALITIES; NEPHROTIC SYNDROME, TYPE 5, WITH OCULAR ABNORMALITIES. Identifiers: Orphanet 306507, MedGen C3280113, MONDO:0013621, OMIM 614199.
Inborn genetic diseases. Identifiers: MedGen C0950123, MeSH D030342.

Allele frequency attached by ClinVar (database versions not stated): TOPMed 0.00003; gnomAD 0.00004; gnomAD exomes 0.00006 and 0.00011; ExAC 0.00007.

Submissions (4):

Labcorp Genetics (formerly Invitae), Labcorp
Classification: Uncertain significance for LAMB2-related infantile-onset nephrotic syndrome; Pierson syndrome. Last evaluated: 2025-06-12. Review status: criteria provided, single submitter. Criteria: Invitae Variant Classification Sherloc (09022015). Collection method: clinical testing. Allele origin: germline.
Comment: This sequence change affects codon 718 of the LAMB2 mRNA. It is a 'silent' change, meaning that it does not change the encoded amino acid sequence of the LAMB2 protein. It affects a nucleotide within the consensus splice site. This variant is present in population databases (rs756535650, gnomAD 0.02%). This variant has been observed in individual(s) with LAMB2-related conditions (internal data). ClinVar contains an entry for this variant (Variation ID: 258602). Algorithms developed to predict the effect of sequence changes on RNA splicing suggest that this variant is not likely to affect RNA splicing. In summary, the available evidence is currently insufficient to determine the role of this variant in disease. Therefore, it has been classified as a Variant of Uncertain Significance.

Ambry Genetics
Classification: Likely benign for Inborn genetic diseases. Last evaluated: 2025-02-20. Review status: criteria provided, single submitter. Criteria: Ambry Variant Classification Scheme 2023. Collection method: clinical testing. Allele origin: germline.

Blueprint Genetics
Classification: Likely benign. Last evaluated: 2024-09-23. Review status: criteria provided, single submitter. Criteria: ACMG Guidelines, 2015. Collection method: clinical testing. Allele origin: germline.

PreventionGenetics, part of Exact Sciences
Classification: Likely benign. Review status: criteria provided, single submitter. Criteria: ACMG Guidelines, 2015. Collection method: clinical testing. Allele origin: germline.